The following is an entry in ClinVar:

ClinVar aggregate classification (germline): Uncertain significance. Review status: criteria provided, multiple submitters, no conflicts (2 of 4 stars). 2 submissions from 2 submitters: Uncertain significance (2). Last evaluated 2026-01-14.

Conditions:
Inborn genetic diseases. Identifiers: MedGen C0950123, MeSH D030342.
Neurodevelopmental disorder with or without early-onset generalized epilepsy. Identifiers: MedGen C5436914, MONDO:0030930, OMIM 619157.

Allele frequency attached by ClinVar (database versions not stated): gnomAD exomes below 0.00001; TOPMed 0.00001.
gnomAD v4.1: 3 of 1,612,174 alleles (0.00019%); highest among the groups gnomAD compares: Non-Finnish European, 0.00025%; no homozygotes.

Submissions (2):

Ambry Genetics
Classification: Uncertain significance for Inborn genetic diseases. Last evaluated: 2026-01-14. Review status: criteria provided, single submitter. Criteria: Ambry Variant Classification Scheme 2023. Collection method: clinical testing. Allele origin: germline.

Victorian Clinical Genetics Services, Murdoch Childrens Research Institute
Classification: Uncertain significance for Neurodevelopmental disorder with or without early-onset generalized epilepsy. Last evaluated: 2022-02-02. Review status: criteria provided, single submitter. Criteria: ACMG Guidelines, 2015. Collection method: clinical testing. Allele origin: germline. Inheritance: Autosomal dominant inheritance. Affected: yes.
Comment: Based on the classification scheme VCGS_Germline_v1.3.4, this variant is classified as VUS-3B. Following criteria are met: 0102 - Loss of function is a known mechanism of disease in this gene and is associated with neurodevelopmental disorder with or without early-onset generalized epilepsy (MIM#619157). (I) 0107 - This gene is associated with autosomal dominant disease. (I) 0200 - Variant is predicted to result in a missense amino acid change from isoleucine to threonine. (I) 0251 - This variant is heterozygous. (I) 0301 - Variant is absent from gnomAD (both v2 and v3). (SP) 0309 - An alternative amino acid change at the same position has been observed in gnomAD (v2) (1 heterozygote, 0 homozygotes). (I) 0502 - Missense variant with conflicting in silico predictions and uninformative conservation. (I) 0604 - Variant is not located in an established domain, motif, hotspot or informative constraint region. (I) 0705 - No comparable missense variants have previous evidence for pathogenicity. (I) 0807 - This variant has no previous evidence of pathogenicity. However, it is reported once as VUS by NTD Genetics (eurofins). (I) 0905 - No published segregation evidence has been identified for this variant. (I) 1007 - No published functional evidence has been identified for this variant. (I) 1208 - Inheritance information for this variant is not currently available in this individual. (I) Legend: (SP) - Supporting pathogenic, (I) - Information, (SB) - Supporting benign

NM_001385012.1(NBEA):c.4367T>C (p.Ile1456Thr)

Gene: NBEA (neurobeachin; plus strand). Cytogenetic location: 13q13.3.
Variant type: single nucleotide variant.
Coding change: c.4367T>C on transcript NM_001385012.1 (MANE Select); coding-DNA position 4367, T replaced by C.
Protein change: p.Ile1456Thr; replaces isoleucine 1456 with threonine.
Molecular consequence: missense variant.
Genome position (GRCh38, 1-based): chr13:35,171,396, T>C. VCF-style: chr13-35171396-T-C. GRCh37 (hg19) VCF-style: chr13-35745533-T-C.
Other names: c.4358T>C, p.Ile1453Thr (NM_001379245.1); c.4367T>C, p.Ile1456Thr (NM_015678.5); short protein forms I1453T, I1456T.
Identifiers: ClinVar variation 1805208 (VCV001805208.2), dbSNP rs911451865, ClinGen allele CA248116745.